The following is an entry in ClinVar:

NM_002864.3(PZP):c.1503C>T (p.Ile501=)

Genes: KLRG1 (killer cell lectin like receptor G1; plus strand), PZP (PZP alpha-2-macroglobulin like; minus strand). Cytogenetic location: 12p13.31.
Variant type: single nucleotide variant.
Coding change: c.1503C>T on transcript NM_002864.3 (MANE Select); coding-DNA position 1503, C replaced by T.
Protein change: p.Ile501=; no amino-acid change (isoleucine 501 retained).
Molecular consequence: synonymous variant.
Genome position (GRCh38, 1-based): chr12:9,192,236, G>A on the plus strand (C>T on the coding strand, the complement: PZP is on the minus strand). VCF-style: chr12-9192236-G-A. GRCh37 (hg19) VCF-style: chr12-9344832-G-A.
Identifiers: ClinVar variation 2642693 (VCV002642693.24), dbSNP rs142132513, ClinGen allele CA6440059.

ClinVar aggregate classification (germline): Likely benign (1 of 4 stars; one submission).

Allele frequency attached by ClinVar (database versions not stated): ESP Exome Variant Server 0.00015; 1000 Genomes Project 30x 0.00016; 1000 Genomes Project 0.00020.
gnomAD v4.1: 298 of 1,614,018 alleles (0.018%); highest among the groups gnomAD compares: Non-Finnish European, 0.025%; no homozygotes.

Submission:

CeGaT Center for Human Genetics Tuebingen
Classification: Likely benign. Last evaluated: 2022-05-01. Review status: criteria provided, single submitter. Criteria: CeGaT Center For Human Genetics Tuebingen Variant Classification Criteria Version 2. Collection method: clinical testing. Allele origin: germline. Affected: yes. Observed: 1 variant allele.
Comment: PZP: BP4, BP7